The following is an entry in ClinVar:

ClinVar aggregate classification (germline): Conflicting classifications of pathogenicity. Review status: criteria provided, conflicting classifications (1 of 4 stars). 8 submissions from 8 submitters: Uncertain significance (5); Likely benign (2). 1 of the submissions does not count toward it. Last evaluated 2026-01-29.

Conditions:
Inborn genetic diseases. Identifiers: MedGen C0950123, MeSH D030342.
Fanconi anemia (FA). Also called: Fanconi's anemia. Identifiers: Orphanet 84, MedGen C0015625, MeSH D005199, MONDO:0019391.
FANCA-related disorder. Also called: FANCA-related condition.
Fanconi anemia complementation group A (FANCA). Also called: Fanconi anemia, group A; FANCA-Related Fanconi Anemia. Identifiers: Orphanet 84, MedGen C3469521, MONDO:0009215, OMIM 227650.

Allele frequency attached by ClinVar (database versions not stated): ExAC 0.00007; gnomAD exomes 0.00007 and 0.00022; TOPMed 0.00014; gnomAD 0.00017; ESP Exome Variant Server 0.00031.

Submissions (8):

Labcorp Genetics (formerly Invitae), Labcorp
Classification: Likely benign for Fanconi anemia. Last evaluated: 2026-01-29. Review status: criteria provided, single submitter. Criteria: Invitae Variant Classification Sherloc (09022015). Collection method: clinical testing. Allele origin: germline.

St. Jude Molecular Pathology, St. Jude Children's Research Hospital
Classification: Uncertain significance for Fanconi anemia complementation group A. Last evaluated: 2025-06-17. Review status: criteria provided, single submitter. Criteria: St. Jude Assertion Criteria 2020. Collection method: clinical testing. Allele origin: germline.
Comment: The FANCA c.3848A>G p.(Lys1283Arg) missense change has a maximum subpopulation frequency of 0.017% in gnomAD v2.1.1. The in silico tool REVEL predicts a be nign effect on protein function, but to our knowledge this prediction has not been confirmed by functional studies. To our knowledge, this variant has not been reported in individuals with Fanconi anemia. In summary, the evidence currently available is insufficient to determine the clinical significance of this variant. It has therefore been classified as of uncertain significance.

PreventionGenetics, part of Exact Sciences
Classification: Uncertain significance for FANCA-related condition. Last evaluated: 2025-01-14. Review status: criteria provided, single submitter. Criteria: ACMG Guidelines, 2015. Collection method: clinical testing. Allele origin: germline.
Comment: The FANCA c.3848A>G variant is predicted to result in the amino acid substitution p.Lys1283Arg. To our knowledge, this variant has not been reported in the literature. This variant is reported in 0.017% of alleles in individuals of European (Non-Finnish) descent in gnomAD and is interpreted as uncertain in ClinVar. At this time, the clinical significance of this variant is uncertain due to the absence of conclusive functional and genetic evidence.

Quest Diagnostics Nichols Institute San Juan Capistrano
Classification: Uncertain significance. Last evaluated: 2024-11-11. Review status: criteria provided, single submitter. Criteria: Quest Diagnostics criteria. Collection method: clinical testing. Allele origin: unknown.
Comment: The FANCA c.3848A>G (p.Lys1283Arg) variant has been reported in the published literature in individuals affected with bladder cancer, endometrial cancer, hepatobiliary cancer, breast cancer, and leukemia (PMID: 30709382 (2019)). The frequency of this variant in the general population, 0.0003 (15/50812 chromosomes (Genome Aggregation Database)), is uninformative in the assessment of its pathogenicity. Analysis of this variant using bioinformatics tools for the prediction of the effect of amino acid changes on protein structure and function yielded predictions that this variant is benign. Based on the available information, we are unable to determine the clinical significance of this variant.

Fulgent Genetics
Classification: Uncertain significance for Fanconi anemia complementation group A. Last evaluated: 2024-06-11. Review status: criteria provided, single submitter. Criteria: ACMG Guidelines, 2015. Collection method: clinical testing. Allele origin: germline.

Blueprint Genetics
Classification: Likely benign. Last evaluated: 2023-10-05. Review status: criteria provided, single submitter. Criteria: ACMG Guidelines, 2015. Collection method: clinical testing. Allele origin: germline.

Ambry Genetics
Classification: Uncertain significance for Inborn genetic diseases. Last evaluated: 2021-06-11. Review status: criteria provided, single submitter. Criteria: Ambry Variant Classification Scheme 2023. Collection method: clinical testing. Allele origin: germline.

Natera, Inc.
Classification: Uncertain significance for Fanconi anemia, group A. Last evaluated: 2020-09-16. Review status: no assertion criteria provided. Collection method: clinical testing. Allele origin: germline. Not counted in ClinVar's aggregate classification.

Literature cited by the submitters: PubMed 30709382 (cited by Quest Diagnostics Nichols Institute San Juan Capistrano).

NM_000135.4(FANCA):c.3848A>G (p.Lys1283Arg)

Genes: FANCA (FA complementation group A; minus strand), ZNF276 (zinc finger protein 276; plus strand). Cytogenetic location: 16q24.3.
Variant type: single nucleotide variant.
Coding change: c.3848A>G on transcript NM_000135.4 (MANE Select); coding-DNA position 3848, A replaced by G.
Protein change: p.Lys1283Arg; replaces lysine 1283 with arginine.
Molecular consequence: missense variant. On other transcripts: 3 prime UTR variant (2), non-coding transcript variant (4).
Genome position (GRCh38, 1-based): chr16:89,740,080, T>C on the plus strand (A>G on the coding strand, the complement: FANCA is on the minus strand). VCF-style: chr16-89740080-T-C. GRCh37 (hg19) VCF-style: chr16-89806488-T-C.
Other names: c.3848A>G (NM_000135.3); c.3848A>G, p.Lys1283Arg (NM_001286167.3); c.*1834T>C (NM_001113525.2, NM_152287.4); short protein forms K1283R.
Identifiers: ClinVar variation 580364 (VCV000580364.23), dbSNP rs146975341, ClinGen allele CA8250926.